The following is an entry in ClinVar:

ClinVar aggregate classification (germline): Likely benign (1 of 4 stars; one submission).

Conditions:
ADGRV1-related disorder. Also called: ADGRV1-related condition; ADGRV1-related disorders.

Submission:

PreventionGenetics, part of Exact Sciences
Classification: Likely benign for ADGRV1-related condition. Last evaluated: 2025-04-25. Review status: criteria provided, single submitter. Criteria: ACMG Guidelines, 2015. Collection method: clinical testing. Allele origin: germline.
Comment: This variant is classified as likely benign based on ACMG/AMP sequence variant interpretation guidelines (Richards et al. 2015 PMID: 25741868, with internal and published modifications).

NM_032119.4(ADGRV1):c.6219T>C (p.Ser2073=)

Gene: ADGRV1 (adhesion G protein-coupled receptor V1; plus strand). Cytogenetic location: 5q14.3.
Variant type: single nucleotide variant.
Coding change: c.6219T>C on transcript NM_032119.4 (MANE Select); coding-DNA position 6219, T replaced by C.
Protein change: p.Ser2073=; no amino-acid change (serine 2073 retained).
Molecular consequence: synonymous variant. On other transcripts: non-coding transcript variant (1).
Genome position (GRCh38, 1-based): chr5:90,684,140, T>C. VCF-style: chr5-90684140-T-C. GRCh37 (hg19) VCF-style: chr5-89979957-T-C.
Identifiers: ClinVar variation 4979859 (VCV004979859.1).